The following is an entry in ClinVar:

NM_001386140.1(MTTP):c.62-5T>A

Gene: MTTP (microsomal triglyceride transfer protein; plus strand). Cytogenetic location: 4q23.
Variant type: single nucleotide variant.
Coding change: c.62-5T>A on transcript NM_001386140.1 (MANE Select); 5 bases into the intron before coding-DNA position 62, T replaced by A.
Molecular consequence: intron variant.
Genome position (GRCh38, 1-based): chr4:99,581,900, T>A. VCF-style: chr4-99581900-T-A. GRCh37 (hg19) VCF-style: chr4-100503057-T-A.
Other names: c.62-5T>A (NM_000253.4); c.-188-5T>A (NM_001300785.2).
Identifiers: ClinVar variation 2076520 (VCV002076520.2), dbSNP rs776498091, ClinGen allele CA3021736.
Genomic context (GRCh38, chr4:99,581,900, plus strand): 5'-ACTGATGGTGAGACAGCATGTTCCCTTACAATGAAAACTGGATATGTGTCATTATCTTTA[T>A]GCAGGTCACACAACTGGTCTCTCATTAAATAATGACCGGCTGTACAAGCTCACGTACTCC-3'

ClinVar aggregate classification (germline): Uncertain significance (1 of 4 stars; one submission).

Allele frequency attached by ClinVar (database versions not stated): gnomAD 0.00007; gnomAD exomes 0.00008; ExAC 0.00002.
gnomAD v4.1: 133 of 1,613,894 alleles (0.0082%); highest among the groups gnomAD compares: Non-Finnish European, 0.011%; no homozygotes.

Submission:

Labcorp Genetics (formerly Invitae), Labcorp
Classification: Uncertain significance. Last evaluated: 2025-03-17. Review status: criteria provided, single submitter. Criteria: Invitae Variant Classification Sherloc (09022015). Collection method: clinical testing. Allele origin: germline.
Comment: This sequence change falls in intron 2 of the MTTP gene. It does not directly change the encoded amino acid sequence of the MTTP protein. This variant is present in population databases (rs776498091, gnomAD 0.01%). This variant has not been reported in the literature in individuals affected with MTTP-related conditions. ClinVar contains an entry for this variant (Variation ID: 2076520). Algorithms developed to predict the effect of sequence changes on RNA splicing suggest that this variant may create or strengthen a splice site. In summary, the available evidence is currently insufficient to determine the role of this variant in disease. Therefore, it has been classified as a Variant of Uncertain Significance.